The following is an entry in ClinVar:

NM_000540.3(RYR1):c.8189_8190delinsGC (p.Asp2730Gly)

Gene: RYR1 (ryanodine receptor 1; plus strand). Cytogenetic location: 19q13.2.
Variant type: Indel.
Coding change: c.8189_8190delinsGC on transcript NM_000540.3 (MANE Select); coding-DNA positions 8189 to 8190, AT replaced by GC.
Protein change: p.Asp2730Gly; replaces aspartic acid 2730 with glycine.
Molecular consequence: missense variant.
Genome position (GRCh38, 1-based): chr19:38,504,869-38,504,870, AT replaced by GC. VCF-style: chr19-38504869-AT-GC. GRCh37 (hg19) VCF-style: chr19-38995509-AT-GC.
Other names: c.8189_8190delinsGC, p.Asp2730Gly (NM_001042723.2); short protein forms D2730G.
Identifiers: ClinVar variation 2028671 (VCV002028671.4), dbSNP rs2514354993, ClinGen allele CA2580097229.

ClinVar aggregate classification (germline): Uncertain significance (1 of 4 stars; one submission).

Conditions:
RYR1-related disorder. Also called: RYR1-related condition; RYR1-related disorders. Identifiers: MedGen CN239331.

Submission:

Labcorp Genetics (formerly Invitae), Labcorp
Classification: Uncertain significance for RYR1-related disorder. Last evaluated: 2023-08-16. Review status: criteria provided, single submitter. Criteria: Invitae Variant Classification Sherloc (09022015). Collection method: clinical testing. Allele origin: germline.
Comment: In summary, the available evidence is currently insufficient to determine the role of this variant in disease. Therefore, it has been classified as a Variant of Uncertain Significance. An algorithm developed to predict the effect of missense changes on protein structure and function (PolyPhen-2) suggests that this variant is likely to be tolerated. Information on the frequency of this variant in the gnomAD database is not available, as this variant may be reported differently in the database. This sequence change replaces aspartic acid, which is acidic and polar, with glycine, which is neutral and non-polar, at codon 2730 of the RYR1 protein (p.Asp2730Gly). This missense change has been observed in individual(s) with malignant hyperthermia susceptibility (PMID: 19191329, 31559918). ClinVar contains an entry for this variant (Variation ID: 2028671).

Literature cited by the submitters: PubMed 19191329; PubMed 31559918.